The following is an entry in ClinVar:

NM_012193.4(FZD4):c.550G>C (p.Val184Leu)

Genes: FZD4 (frizzled class receptor 4; minus strand), PRSS23 (serine protease 23; plus strand). Cytogenetic location: 11q14.2.
Variant type: single nucleotide variant.
Coding change: c.550G>C on transcript NM_012193.4 (MANE Select); coding-DNA position 550, G replaced by C.
Protein change: p.Val184Leu; replaces valine 184 with leucine.
Molecular consequence: missense variant. On other transcripts: non-coding transcript variant (2).
Genome position (GRCh38, 1-based): chr11:86,952,206, C>G on the plus strand (G>C on the coding strand, the complement: FZD4 is on the minus strand). VCF-style: chr11-86952206-C-G. GRCh37 (hg19) VCF-style: chr11-86663248-C-G.
Other names: short protein forms V184L.
Identifiers: ClinVar variation 1016878 (VCV001016878.8), dbSNP rs138794842, ClinGen allele CA6218445.

ClinVar aggregate classification (germline): Uncertain significance (1 of 4 stars; one submission).

Allele frequency attached by ClinVar (database versions not stated): TOPMed 0.00002; ExAC 0.00006; ESP Exome Variant Server 0.00008.
gnomAD v4.1: 16 of 1,613,648 alleles (0.00099%); highest among the groups gnomAD compares: Admixed American, 0.023%; no homozygotes.

Submission:

Labcorp Genetics (formerly Invitae), Labcorp
Classification: Uncertain significance. Last evaluated: 2025-12-08. Review status: criteria provided, single submitter. Criteria: Invitae Variant Classification Sherloc (09022015). Collection method: clinical testing. Allele origin: germline.
Comment: This sequence change replaces valine, which is neutral and non-polar, with leucine, which is neutral and non-polar, at codon 184 of the FZD4 protein (p.Val184Leu). This variant is present in population databases (rs138794842, gnomAD 0.04%). This variant has not been reported in the literature in individuals affected with FZD4-related conditions. ClinVar contains an entry for this variant (Variation ID: 1016878). Invitae Evidence Modeling of protein sequence and biophysical properties (such as structural, functional, and spatial information, amino acid conservation, physicochemical variation, residue mobility, and thermodynamic stability) indicates that this missense variant is not expected to disrupt FZD4 protein function with a negative predictive value of 80%. In summary, the available evidence is currently insufficient to determine the role of this variant in disease. Therefore, it has been classified as a Variant of Uncertain Significance.